The following is an entry in ClinVar:

NM_020975.6(RET):c.1918G>A (p.Ala640Thr)

Gene: RET (ret proto-oncogene; plus strand). Cytogenetic location: 10q11.21.
Variant type: single nucleotide variant.
Coding change: c.1918G>A on transcript NM_020975.6 (MANE Select); coding-DNA position 1918, G replaced by A.
Protein change: p.Ala640Thr; replaces alanine 640 with threonine.
Molecular consequence: missense variant.
Genome position (GRCh38, 1-based): chr10:43,114,518, G>A. VCF-style: chr10-43114518-G-A. GRCh37 (hg19) VCF-style: chr10-43609966-G-A.
Other names: c.1918G>A, p.Ala640Thr (NM_000323.2, NM_001406743.1, NM_001406744.1 and 4 more transcripts); c.1156G>A, p.Ala386Thr (NM_001355216.2); c.1789G>A, p.Ala597Thr (NM_001406761.1, NM_001406762.1, NM_001406764.1); c.1630G>A, p.Ala544Thr (NM_001406766.1, NM_001406767.1, NM_001406770.1); c.1522G>A, p.Ala508Thr (NM_001406769.1, NM_001406772.1); c.1480G>A, p.Ala494Thr (NM_001406771.1, NM_001406773.1); c.1393G>A, p.Ala465Thr (NM_001406774.1); c.1192G>A, p.Ala398Thr (NM_001406775.1, NM_001406776.1, NM_001406777.1 and 1 more transcripts); and 7 more; short protein forms A640T, A386T, A301T, A398T, A508T, A544T, A157T, A245T.
Identifiers: ClinVar variation 662696 (VCV000662696.9), dbSNP rs1224994492, ClinGen allele CA376552937.

ClinVar aggregate classification (germline): Uncertain significance (1 of 4 stars; one submission).

Conditions:
Multiple endocrine neoplasia, type 2 (MEN2). Identifiers: Orphanet 653, MedGen C4048306, MONDO:0019003. Disease mechanism: gain of function.

Allele frequency attached by ClinVar (database versions not stated): gnomAD 0.00001; TOPMed 0.00001.
gnomAD v4.1: 1 of 1,609,136 alleles (0.000062%); highest among the groups gnomAD compares: Non-Finnish European, 0.000085%; no homozygotes.

Submission:

Labcorp Genetics (formerly Invitae), Labcorp
Classification: Uncertain significance for Multiple endocrine neoplasia, type 2. Last evaluated: 2024-03-14. Review status: criteria provided, single submitter. Criteria: Invitae Variant Classification Sherloc (09022015). Collection method: clinical testing. Allele origin: germline.
Comment: This sequence change replaces alanine, which is neutral and non-polar, with threonine, which is neutral and polar, at codon 640 of the RET protein (p.Ala640Thr). This variant is present in population databases (no rsID available, gnomAD 0.007%). This variant has not been reported in the literature in individuals affected with RET-related conditions. ClinVar contains an entry for this variant (Variation ID: 662696). An algorithm developed to predict the effect of missense changes on protein structure and function (PolyPhen-2) suggests that this variant is likely to be tolerated. In summary, the available evidence is currently insufficient to determine the role of this variant in disease. Therefore, it has been classified as a Variant of Uncertain Significance.